The following is an entry in ClinVar:

NM_005744.5(ARIH1):c.633C>T (p.Cys211=)

Gene: ARIH1 (ariadne RBR E3 ubiquitin protein ligase 1; plus strand). Cytogenetic location: 15q24.1.
Variant type: single nucleotide variant.
Coding change: c.633C>T on transcript NM_005744.5 (MANE Select); coding-DNA position 633, C replaced by T.
Protein change: p.Cys211=; no amino-acid change (cysteine 211 retained).
Molecular consequence: synonymous variant.
Genome position (GRCh38, 1-based): chr15:72,555,315, C>T. VCF-style: chr15-72555315-C-T. GRCh37 (hg19) VCF-style: chr15-72847656-C-T.
Other names: c.633C>T (NM_005744.3).
Identifiers: ClinVar variation 1639449 (VCV001639449.12), dbSNP rs76918861, ClinGen allele CA7645539.

ClinVar aggregate classification (germline): Benign. Review status: criteria provided, multiple submitters, no conflicts (2 of 4 stars). 4 submissions from 4 submitters: Benign (3). 1 of the submissions does not count toward it. Last evaluated 2026-02-04.

Conditions:
ARIH1-related disorder. Also called: ARIH1-related condition.
Familial thoracic aortic aneurysm and aortic dissection (TAAD). Also called: Thoracic aortic aneurysms and dissections. Identifiers: Orphanet 91387, MedGen C4707243, MONDO:0019625.

Allele frequency attached by ClinVar (database versions not stated): 1000 Genomes Project 30x 0.00484; 1000 Genomes Project 0.00519; TOPMed 0.00826; ESP Exome Variant Server 0.01047; ExAC 0.01095; gnomAD exomes 0.01148 and 0.01380; gnomAD 0.01151 and 0.01200.
gnomAD v4.1: 21,683 of 1,613,170 alleles (1.3%); highest among the groups gnomAD compares: Non-Finnish European, 1.5%; 191 homozygotes.

Submissions (4):

Labcorp Genetics (formerly Invitae), Labcorp
Classification: Benign. Last evaluated: 2026-02-04. Review status: criteria provided, single submitter. Criteria: Invitae Variant Classification Sherloc (09022015). Collection method: clinical testing. Allele origin: germline.

CHEO Genetics Diagnostic Laboratory, Children's Hospital of Eastern Ontario
Classification: Benign for Familial thoracic aortic aneurysm and aortic dissection. Last evaluated: 2022-11-24. Review status: criteria provided, single submitter. Criteria: ACMG Guidelines, 2015. Collection method: clinical testing. Allele origin: germline.

Breakthrough Genomics
Classification: Benign. Review status: criteria provided, single submitter. Criteria: ACMG Guidelines, 2015. Collection method: not provided. Allele origin: germline. Inheritance: Unknown mechanism. Affected: yes.

PreventionGenetics, part of Exact Sciences
Classification: Benign for ARIH1-related condition. Last evaluated: 2019-10-30. Review status: no assertion criteria provided. Collection method: clinical testing. Allele origin: germline. Not counted in ClinVar's aggregate classification.
Comment: This variant is classified as benign based on ACMG/AMP sequence variant interpretation guidelines (Richards et al. 2015 PMID: 25741868, with internal and published modifications).